The following is an entry in ClinVar:

NM_016239.4(MYO15A):c.9811C>T (p.Arg3271Cys)

Gene: MYO15A (myosin XVA; plus strand). Cytogenetic location: 17p11.2.
Variant type: single nucleotide variant.
Coding change: c.9811C>T on transcript NM_016239.4 (MANE Select); coding-DNA position 9811, C replaced by T.
Protein change: p.Arg3271Cys; replaces arginine 3271 with cysteine.
Molecular consequence: missense variant.
Genome position (GRCh38, 1-based): chr17:18,166,384, C>T. VCF-style: chr17-18166384-C-T. GRCh37 (hg19) VCF-style: chr17-18069698-C-T.
Other names: short protein forms R3271C.
Identifiers: ClinVar variation 1810449 (VCV001810449.3), dbSNP rs763708408, ClinGen allele CA8425707.

ClinVar aggregate classification (germline): Uncertain significance. Review status: criteria provided, multiple submitters, no conflicts (2 of 4 stars). 2 submissions from 2 submitters: Uncertain significance (2). Last evaluated 2022-07-21.

Allele frequency attached by ClinVar (database versions not stated): gnomAD 0.00001; TOPMed 0.00001; ExAC 0.00002.
gnomAD v4.1: 15 of 1,613,484 alleles (0.00093%); highest among the groups gnomAD compares: Admixed American, 0.005%; no homozygotes.

Submissions (2):

Labcorp Genetics (formerly Invitae), Labcorp
Classification: Uncertain significance. Last evaluated: 2022-07-21. Review status: criteria provided, single submitter. Criteria: Invitae Variant Classification Sherloc (09022015). Collection method: clinical testing. Allele origin: germline.
Comment: This sequence change replaces arginine, which is basic and polar, with cysteine, which is neutral and slightly polar, at codon 3271 of the MYO15A protein (p.Arg3271Cys). This variant is present in population databases (rs763708408, gnomAD 0.009%). This variant has not been reported in the literature in individuals affected with MYO15A-related conditions. Advanced modeling of protein sequence and biophysical properties (such as structural, functional, and spatial information, amino acid conservation, physicochemical variation, residue mobility, and thermodynamic stability) performed at Invitae indicates that this missense variant is not expected to disrupt MYO15A protein function. In summary, the available evidence is currently insufficient to determine the role of this variant in disease. Therefore, it has been classified as a Variant of Uncertain Significance.

GeneDx
Classification: Uncertain significance. Last evaluated: 2022-07-07. Review status: criteria provided, single submitter. Criteria: GeneDx Variant Classification Process June 2021. Collection method: clinical testing. Allele origin: germline. Affected: yes.
Comment: In silico analysis supports that this missense variant has a deleterious effect on protein structure/function; Has not been previously published as pathogenic or benign to our knowledge